The following is an entry in ClinVar:

NM_025137.4(SPG11):c.5861A>G (p.His1954Arg)

Gene: SPG11 (SPG11 vesicle trafficking associated, spatacsin; minus strand). Cytogenetic location: 15q21.1.
Variant type: single nucleotide variant.
Coding change: c.5861A>G on transcript NM_025137.4 (MANE Select); coding-DNA position 5861, A replaced by G.
Protein change: p.His1954Arg; replaces histidine 1954 with arginine.
Molecular consequence: missense variant.
Genome position (GRCh38, 1-based): chr15:44,583,819, T>C on the plus strand (A>G on the coding strand, the complement: SPG11 is on the minus strand). VCF-style: chr15-44583819-T-C. GRCh37 (hg19) VCF-style: chr15-44876017-T-C.
Other names: c.5861A>G, p.His1954Arg (NM_001160227.2); short protein forms H1954R.
Identifiers: ClinVar variation 466549 (VCV000466549.8), dbSNP rs954248015, ClinGen allele CA392220772.
Genomic context (GRCh38, chr15:44,583,819, plus strand): 5'-GACAGTGCTAACAGTGCCATTTAAGACTCTGGGCCATCTGATCTCCTTCACTTACTGCTG[T>C]GGACTCTCCTTAGGGGAATGTCGGGTGCTTCTTCCTCAAGCAGCTCAGCACTTTGTAGGA-3'
Protein context (NP_079413.3, residues 1944-1964): EAPDIPLRRV[His1954Arg]STSSLDSQKF

ClinVar aggregate classification (germline): Uncertain significance (1 of 4 stars; one submission).

Conditions:
Hereditary spastic paraplegia 11. Also called: SPASTIC PARAPLEGIA, AUTOSOMAL RECESSIVE, COMPLICATED, WITH THIN CORPUS CALLOSUM; SPASTIC PARAPLEGIA, AUTOSOMAL RECESSIVE, WITH MENTAL IMPAIRMENT AND THIN CORPUS CALLOSUM; Nakamura Osame syndrome; Autosomal recessive hereditary spastic paraplegia, mental impairment, and thin corpus callosum; Spastic paraplegia, mental retardation and thin corpus callosum; Spastic Paraplegia 11. Identifiers: Orphanet 2822, MedGen C1858479, MONDO:0011445, OMIM 604360.

gnomAD v4.1: 1 of 1,614,172 alleles (0.000062%); highest among the groups gnomAD compares: Non-Finnish European, 0.000085%; no homozygotes.

Submission:

Labcorp Genetics (formerly Invitae), Labcorp
Classification: Uncertain significance for Hereditary spastic paraplegia 11. Last evaluated: 2017-04-16. Review status: criteria provided, single submitter. Criteria: Invitae Variant Classification Sherloc (09022015). Collection method: clinical testing. Allele origin: germline.
Comment: In summary, this variant is a novel missense change that is not predicted to affect protein function. There is no indication that it causes disease, but the available evidence is currently insufficient to prove that conclusively. Therefore, it has been classified as a Variant of Uncertain Significance. Algorithms developed to predict the effect of missense changes on protein structure and function output the following: SIFT: "Tolerated"; PolyPhen-2: "Benign"; Align-GVGD: "Class C0". The arginine amino acid residue is found in multiple mammalian species, suggesting that this missense change does not adversely affect protein function. These predictions have not been confirmed by published functional studies. This variant is not present in population databases (ExAC no frequency) and has not been reported in the literature in individuals with a SPG11-related disease. This sequence change replaces histidine with arginine at codon 1954 of the SPG11 protein (p.His1954Arg). The histidine residue is weakly conserved and there is a small physicochemical difference between histidine and arginine.